The following is an entry in ClinVar:

NM_021098.3(CACNA1H):c.6959A>G (p.Lys2320Arg)

Gene: CACNA1H (calcium voltage-gated channel subunit alpha1 H; plus strand). Cytogenetic location: 16p13.3.
Variant type: single nucleotide variant.
Coding change: c.6959A>G on transcript NM_021098.3 (MANE Select); coding-DNA position 6959, A replaced by G.
Protein change: p.Lys2320Arg; replaces lysine 2320 with arginine.
Molecular consequence: missense variant.
Genome position (GRCh38, 1-based): chr16:1,220,891, A>G. VCF-style: chr16-1220891-A-G. GRCh37 (hg19) VCF-style: chr16-1270891-A-G.
Other names: c.6941A>G, p.Lys2314Arg (NM_001005407.2); short protein forms K2320R, K2314R.
Identifiers: ClinVar variation 1365188 (VCV001365188.8), dbSNP rs2141413668, ClinGen allele CA394151472.

ClinVar aggregate classification (germline): Uncertain significance (1 of 4 stars; one submission).

Conditions:
Hyperaldosteronism, familial, type IV (HALD4). Also called: FH IV; ALDOSTERONISM, PRIMARY, AND HYPERTENSION. Identifiers: Orphanet 642671, MedGen C4310756, MONDO:0014875, OMIM 617027.
Idiopathic generalized epilepsy. Also called: Generalised epilepsy; EIG. Identifiers: MedGen C0270850, MONDO:0005579, OMIM 600669.

Submission:

Labcorp Genetics (formerly Invitae), Labcorp
Classification: Uncertain significance for Idiopathic generalized epilepsy; Hyperaldosteronism, familial, type IV. Last evaluated: 2022-01-14. Review status: criteria provided, single submitter. Criteria: Invitae Variant Classification Sherloc (09022015). Collection method: clinical testing. Allele origin: germline.
Comment: This sequence change replaces lysine, which is basic and polar, with arginine, which is basic and polar, at codon 2320 of the CACNA1H protein (p.Lys2320Arg). This variant is not present in population databases (gnomAD no frequency). This variant has not been reported in the literature in individuals affected with CACNA1H-related conditions. Advanced modeling of protein sequence and biophysical properties (such as structural, functional, and spatial information, amino acid conservation, physicochemical variation, residue mobility, and thermodynamic stability) performed at Invitae indicates that this missense variant is not expected to disrupt CACNA1H protein function. In summary, the available evidence is currently insufficient to determine the role of this variant in disease. Therefore, it has been classified as a Variant of Uncertain Significance.